The following is an entry in ClinVar:

ClinVar aggregate classification (germline): Uncertain significance (1 of 4 stars; one submission).

Conditions:
Familial thoracic aortic aneurysm and aortic dissection (TAAD). Also called: Thoracic aortic aneurysms and dissections. Identifiers: Orphanet 91387, MedGen C4707243, MONDO:0019625.

Submission:

Color Diagnostics, LLC DBA Color Health
Classification: Uncertain significance for Familial thoracic aortic aneurysm and aortic dissection. Last evaluated: 2023-12-05. Review status: criteria provided, single submitter. Criteria: ACMG Guidelines, 2015. Collection method: clinical testing. Allele origin: germline.
Comment: Variant of Uncertain Significance due to insufficient evidence: This missense variant is located in the calcium-binding EGF-like motif 5 of the FBN1 protein. Computational prediction tools and conservation analyses suggest that this variant may have deleterious impact on the protein function. Computational splicing tools suggest that this variant may not impact RNA splicing. To our knowledge, functional assays have not been performed for this variant nor has this variant been reported in individuals affected with cardiovascular disorders in the literature. This variant is rare in the general population and has been identified in 0/277264 chromosomes by the Genome Aggregation Database (gnomAD). Available evidence is insufficient to determine the pathogenicity of this variant conclusively.

NM_000138.5(FBN1):c.934T>C (p.Phe312Leu)

Gene: FBN1 (fibrillin 1; minus strand). Cytogenetic location: 15q21.1.
Variant type: single nucleotide variant.
Coding change: c.934T>C on transcript NM_000138.5 (MANE Select); coding-DNA position 934, T replaced by C.
Protein change: p.Phe312Leu; replaces phenylalanine 312 with leucine.
Molecular consequence: missense variant.
Genome position (GRCh38, 1-based): chr15:48,526,184, A>G on the plus strand (T>C on the coding strand, the complement: FBN1 is on the minus strand). VCF-style: chr15-48526184-A-G. GRCh37 (hg19) VCF-style: chr15-48818381-A-G.
Other names: short protein forms F312L.
Identifiers: ClinVar variation 629654 (VCV000629654.4), dbSNP rs1566919646, ClinGen allele CA392350011.
Genomic context (GRCh38, chr15:48,526,184, plus strand): 5'-ACCTACCTATGCATCTGGTACCATCTGGAGAGGTGTAAAAACCAGGGGGACATTTGCAAA[A>G]GTAACTGCTGACTGTGTTTGTACATTCACCCCCTTCACAGATTCCAGGAATGGTGCTGCA-3'
Protein context (NP_000129.3, residues 302-322): GECTNTVSSY[Phe312Leu]CKCPPGFYTS